The following is an entry in ClinVar:

ClinVar aggregate classification (germline): Uncertain significance (1 of 4 stars; one submission).

Conditions:
Hereditary cancer-predisposing syndrome. Also called: Neoplastic Syndromes, Hereditary; Tumor predisposition; Hereditary Cancer Syndrome; Hereditary neoplastic syndrome. Identifiers: Orphanet 140162, MedGen C0027672, MeSH D009386, MONDO:0015356.

Allele frequency attached by ClinVar (database versions not stated): gnomAD exomes below 0.00001; ExAC 0.00001.
gnomAD v4.1: 1 of 1,612,186 alleles (0.000062%); highest among the groups gnomAD compares: Admixed American, 0.0017%; no homozygotes.

Submission:

Ambry Genetics
Classification: Uncertain significance for Hereditary cancer-predisposing syndrome. Last evaluated: 2016-11-28. Review status: criteria provided, single submitter. Criteria: Ambry Variant Classification Scheme 2023. Collection method: clinical testing. Allele origin: germline.
Comment: The p.K318E variant (also known as c.952A>G), located in coding exon 7 of the RAD50 gene, results from an A to G substitution at nucleotide position 952. The lysine at codon 318 is replaced by glutamic acid, an amino acid with similar properties. This amino acid position is highly conserved in available vertebrate species. In addition, the in silico prediction for this alteration is inconclusive. Since supporting evidence is limited at this time, the clinical significance of this alteration remains unclear.

NM_005732.4(RAD50):c.952A>G (p.Lys318Glu)

Gene: RAD50 (RAD50 double strand break repair protein; plus strand). Cytogenetic location: 5q31.1.
Variant type: single nucleotide variant.
Coding change: c.952A>G on transcript NM_005732.4 (MANE Select); coding-DNA position 952, A replaced by G.
Protein change: p.Lys318Glu; replaces lysine 318 with glutamic acid.
Molecular consequence: missense variant.
Genome position (GRCh38, 1-based): chr5:132,587,990, A>G. VCF-style: chr5-132587990-A-G. GRCh37 (hg19) VCF-style: chr5-131923682-A-G.
Other names: short protein forms K318E.
Identifiers: ClinVar variation 482130 (VCV000482130.5), dbSNP rs756701858, ClinGen allele CA3405064.